The following is an entry in ClinVar:

NM_000535.7(PMS2):c.2275G>T (p.Ala759Ser)

Gene: PMS2 (PMS1 homolog 2, mismatch repair system component; minus strand). Cytogenetic location: 7p22.1.
Variant type: single nucleotide variant.
Coding change: c.2275G>T on transcript NM_000535.7 (MANE Select); coding-DNA position 2275, G replaced by T.
Protein change: p.Ala759Ser; replaces alanine 759 with serine.
Molecular consequence: missense variant. On other transcripts: non-coding transcript variant (1).
Genome position (GRCh38, 1-based): chr7:5,978,596, C>A on the plus strand (G>T on the coding strand, the complement: PMS2 is on the minus strand). VCF-style: chr7-5978596-C-A. GRCh37 (hg19) VCF-style: chr7-6018227-C-A.
Other names: c.1870G>T, p.Ala624Ser (NM_001322003.2, NM_001322004.2, NM_001322005.2); c.2119G>T, p.Ala707Ser (NM_001322006.2); c.1957G>T, p.Ala653Ser (NM_001322007.2, NM_001322008.2); c.1870G>T, p.Val624Phe (NM_001322009.2); c.1714G>T, p.Ala572Ser (NM_001322010.2); c.1342G>T, p.Ala448Ser (NM_001322011.2, NM_001322012.2); c.1702G>T, p.Ala568Ser (NM_001322013.2); c.2275G>T, p.Val759Phe (NM_001322014.2); and 1 more; short protein forms A759S, A653S, A448S, V624F, A568S, A656S, A707S, V759F.
Identifiers: ClinVar variation 484314 (VCV000484314.12), dbSNP rs1554294396, ClinGen allele CA366736390.

ClinVar aggregate classification (germline): Uncertain significance. Review status: criteria provided, multiple submitters, no conflicts (2 of 4 stars). 3 submissions from 3 submitters: Uncertain significance (3). Last evaluated 2025-11-19.

Conditions:
Hereditary nonpolyposis colorectal neoplasms. Identifiers: MedGen C0009405, MeSH D003123.
Hereditary cancer-predisposing syndrome. Also called: Neoplastic Syndromes, Hereditary; Tumor predisposition; Hereditary Cancer Syndrome; Hereditary neoplastic syndrome. Identifiers: Orphanet 140162, MedGen C0027672, MeSH D009386, MONDO:0015356.

Submissions (3):

Labcorp Genetics (formerly Invitae), Labcorp
Classification: Uncertain significance for Hereditary nonpolyposis colorectal neoplasms. Last evaluated: 2025-11-19. Review status: criteria provided, single submitter. Criteria: Invitae Variant Classification Sherloc (09022015). Collection method: clinical testing. Allele origin: germline.
Comment: This sequence change replaces alanine, which is neutral and non-polar, with serine, which is neutral and polar, at codon 759 of the PMS2 protein (p.Ala759Ser). This variant also falls at the last nucleotide of exon 13, which is part of the consensus splice site for this exon. The frequency data for this variant in the population databases (gnomAD) is considered unreliable due to the presence of homologous sequence, such as pseudogenes or paralogs, in the genome. This variant has not been reported in the literature in individuals affected with PMS2-related conditions. ClinVar contains an entry for this variant (Variation ID: 484314). Invitae Evidence Modeling incorporating data from in vitro experimental studies (internal data) indicates that this missense variant is not expected to disrupt PMS2 function with a negative predictive value of 95%. Variants that disrupt the consensus splice site are a relatively common cause of aberrant splicing (PMID: 17576681, 9536098). In summary, the available evidence is currently insufficient to determine the role of this variant in disease. Therefore, it has been classified as a Variant of Uncertain Significance.

Ambry Genetics
Classification: Uncertain significance for Hereditary cancer-predisposing syndrome. Last evaluated: 2023-05-31. Review status: criteria provided, single submitter. Criteria: Ambry Variant Classification Scheme 2023. Collection method: clinical testing. Allele origin: germline.
Comment: The p.A759S variant (also known as c.2275G>T), located in coding exon 13 of the PMS2 gene, results from a G to T substitution at nucleotide position 2275. The alanine at codon 759 is replaced by serine, an amino acid with similar properties. However, this change occurs in the last base pair of coding exon 13 and may have some effect on normal mRNA splicing. This nucleotide position is highly conserved in available vertebrate species. In silico splice site analysis predicts that this alteration will not have any significant effect on splicing. This amino acid position is highly conserved in available vertebrate species. In addition, as a missense substitution this is predicted to be inconclusive by in silico analysis. Since supporting evidence is limited at this time, the clinical significance of this alteration remains unclear.

GeneDx
Classification: Uncertain significance. Last evaluated: 2019-05-24. Review status: criteria provided, single submitter. Criteria: GeneDx Variant Classification Process June 2021. Collection method: clinical testing. Allele origin: germline. Affected: yes.
Comment: Not observed at a significant frequency in large population cohorts (Lek et al., 2016); In silico analysis, which includes protein predictors and evolutionary conservation, supports that this variant does not alter protein structure/function; Has not been previously published as pathogenic or benign to our knowledge; In-silico analysis, which includes splice predictors and evolutionary conservation, is inconclusive as to whether the variant alters gene splicing. In the absence of RNA/functional studies, the actual effect of this sequence change is unknown.

Literature cited by the submitters: PubMed 17576681 (cited by Labcorp Genetics (formerly Invitae), Labcorp); PubMed 9536098 (cited by Labcorp Genetics (formerly Invitae), Labcorp).